The following is an entry in ClinVar:

ClinVar aggregate classification (germline): Pathogenic (1 of 4 stars; one submission).

Submission:

Labcorp Genetics (formerly Invitae), Labcorp
Classification: Pathogenic. Last evaluated: 2021-07-17. Review status: criteria provided, single submitter. Criteria: Invitae Variant Classification Sherloc (09022015). Collection method: clinical testing. Allele origin: germline.
Comment: This sequence change creates a premature translational stop signal (p.Ser377*) in the LEMD3 gene. It is expected to result in an absent or disrupted protein product. Loss-of-function variants in LEMD3 are known to be pathogenic (PMID: 15489854, 19438932). This variant is not present in population databases (ExAC no frequency). This variant has not been reported in the literature in individuals affected with LEMD3-related conditions. For these reasons, this variant has been classified as Pathogenic.

Literature cited by the submitters: PubMed 15489854; PubMed 19438932.

NM_014319.5(LEMD3):c.1130C>G (p.Ser377Ter)

Genes: LEMD3 (LEM domain containing 3; plus strand), LOC130008225 (ATAC-STARR-seq lymphoblastoid active region 6608; plus strand). Cytogenetic location: 12q14.3.
Variant type: single nucleotide variant.
Coding change: c.1130C>G on transcript NM_014319.5 (MANE Select); coding-DNA position 1130, C replaced by G.
Protein change: p.Ser377Ter; replaces serine 377 with a stop codon.
Molecular consequence: nonsense.
Genome position (GRCh38, 1-based): chr12:65,170,726, C>G. VCF-style: chr12-65170726-C-G. GRCh37 (hg19) VCF-style: chr12-65564506-C-G.
Other names: c.1130C>G, p.Ser377Ter (NM_001167614.2); short protein forms S377*.
Identifiers: ClinVar variation 1452470 (VCV001452470.6), dbSNP rs1592425446, ClinGen allele CA385675094.
Genomic context (GRCh38, chr12:65,170,726, plus strand): 5'-ACCGTGTTAACGCTAAGAAACTGACCCCTCTCCTGCCCCCGCCACTTACTGACATGGACT[C>G]AACCTTGGATTCGTCAACAGGCTCCCTTCTGAAAACCAATAATCATATTGGCGGTGGGGC-3'